The following is an entry in ClinVar:

ClinVar aggregate classification (germline): Uncertain significance (0 of 4 stars; one submission).

Conditions:
TRPC5-related disorder. Also called: TRPC5-related condition.

gnomAD v4.1: 2 of 1,209,622 alleles (0.00017%); highest among the groups gnomAD compares: South Asian, 0.0018%; no homozygotes.

Submission:

PreventionGenetics, part of Exact Sciences
Classification: Uncertain significance for TRPC5-related condition. Last evaluated: 2024-07-11. Review status: no assertion criteria provided. Collection method: clinical testing. Allele origin: germline.
Comment: The TRPC5 c.971G>A variant is predicted to result in the amino acid substitution p.Arg324Gln. To our knowledge, this variant has not been reported in the literature or in a large population database, indicating this variant is rare. At this time, the clinical significance of this variant is uncertain due to the absence of conclusive functional and genetic evidence.

NM_012471.3(TRPC5):c.971G>A (p.Arg324Gln)

Gene: TRPC5 (transient receptor potential cation channel subfamily C member 5; minus strand). Cytogenetic location: Xq23.
Variant type: single nucleotide variant.
Coding change: c.971G>A on transcript NM_012471.3 (MANE Select); coding-DNA position 971, G replaced by A.
Protein change: p.Arg324Gln; replaces arginine 324 with glutamine.
Molecular consequence: missense variant.
Genome position (GRCh38, 1-based): chrX:111,854,036, C>T on the plus strand (G>A on the coding strand, the complement: TRPC5 is on the minus strand). VCF-style: chrX-111854036-C-T. GRCh37 (hg19) VCF-style: chrX-111097264-C-T.
Other names: short protein forms R324Q.
Identifiers: ClinVar variation 3347660 (VCV003347660.1).